The following is an entry in ClinVar:

NM_001349253.2(SCN11A):c.2186C>T (p.Ser729Phe)

Gene: SCN11A (sodium voltage-gated channel alpha subunit 11; minus strand). Cytogenetic location: 3p22.2.
Variant type: single nucleotide variant.
Coding change: c.2186C>T on transcript NM_001349253.2 (MANE Select); coding-DNA position 2186, C replaced by T.
Protein change: p.Ser729Phe; replaces serine 729 with phenylalanine.
Molecular consequence: missense variant.
Genome position (GRCh38, 1-based): chr3:38,897,062, G>A on the plus strand (C>T on the coding strand, the complement: SCN11A is on the minus strand). VCF-style: chr3-38897062-G-A. GRCh37 (hg19) VCF-style: chr3-38938553-G-A.
Other names: c.2186C>T, p.Ser729Phe (NM_014139.3); c.2186C>T (NM_014139.2); short protein forms S729F.
Identifiers: ClinVar variation 1507423 (VCV001507423.7), dbSNP rs1469862475, ClinGen allele CA352158583.

ClinVar aggregate classification (germline): Uncertain significance. Review status: criteria provided, multiple submitters, no conflicts (2 of 4 stars). 2 submissions from 2 submitters: Uncertain significance (2). Last evaluated 2025-07-16.

Conditions:
Inborn genetic diseases. Identifiers: MedGen C0950123, MeSH D030342.
Hereditary sensory and autonomic neuropathy type 7. Also called: Neuropathy, hereditary sensory and autonomic, type VII; HSAN VII. Identifiers: Orphanet 391397, MedGen C3809882, MONDO:0014244, OMIM 615548.
Familial episodic pain syndrome with predominantly lower limb involvement. Also called: Episodic pain syndrome, familial, 3. Identifiers: Orphanet 391384, Orphanet 391392, MedGen C3809899, MONDO:0014247, OMIM 615552.

Allele frequency attached by ClinVar (database versions not stated): TOPMed below 0.00001; gnomAD 0.00001.
gnomAD v4.1: 3 of 1,613,980 alleles (0.00019%); highest among the groups gnomAD compares: Non-Finnish European, 0.00025%; no homozygotes.

Submissions (2):

Ambry Genetics
Classification: Uncertain significance for Inborn genetic diseases. Last evaluated: 2025-07-16. Review status: criteria provided, single submitter. Criteria: Ambry Variant Classification Scheme 2023. Collection method: clinical testing. Allele origin: germline.

Labcorp Genetics (formerly Invitae), Labcorp
Classification: Uncertain significance for Familial episodic pain syndrome with predominantly lower limb involvement; Hereditary sensory and autonomic neuropathy type 7. Last evaluated: 2023-12-15. Review status: criteria provided, single submitter. Criteria: Invitae Variant Classification Sherloc (09022015). Collection method: clinical testing. Allele origin: germline.
Comment: This sequence change replaces serine, which is neutral and polar, with phenylalanine, which is neutral and non-polar, at codon 729 of the SCN11A protein (p.Ser729Phe). This variant is not present in population databases (gnomAD no frequency). This variant has not been reported in the literature in individuals affected with SCN11A-related conditions. ClinVar contains an entry for this variant (Variation ID: 1507423). Advanced modeling of protein sequence and biophysical properties (such as structural, functional, and spatial information, amino acid conservation, physicochemical variation, residue mobility, and thermodynamic stability) performed at Invitae indicates that this missense variant is not expected to disrupt SCN11A protein function with a negative predictive value of 80%. In summary, the available evidence is currently insufficient to determine the role of this variant in disease. Therefore, it has been classified as a Variant of Uncertain Significance.